The following is an entry in ClinVar:

ClinVar aggregate classification (germline): Likely pathogenic (1 of 4 stars; one submission).

Allele frequency attached by ClinVar (database versions not stated): gnomAD exomes below 0.00001; TOPMed below 0.00001.
gnomAD v4.1: 3 of 1,613,690 alleles (0.00019%); highest among the groups gnomAD compares: Non-Finnish European, 0.00025%; no homozygotes.

Submission:

GeneDx
Classification: Likely pathogenic. Last evaluated: 2014-06-23. Review status: criteria provided, single submitter. Criteria: GeneDx Variant Classification (06012015). Collection method: clinical testing. Allele origin: germline. Affected: yes.
Comment: p.Lys466Glu (AAA>GAA): c.1396 A>G in exon 5 of the YARS2 gene (NM_001040436.2) The K466E variant has not been published as a mutation, nor has it been reported as a benign polymorphism to our knowledge. The K466E variant is a non-conservative amino acid substitution, which is likely to impact secondary protein structure as these residues differ in polarity, charge, size and/or other properties. This substitution occurs at a position that is conserved across species. In silico analysis predicts this variant is probably damaging to the protein structure/function. Therefore, this variant is a strong candidate for a pathogenic mutation, however the possibility that it is a benign variant cannot be excluded. The variant is found in MITONUC-MITOP panel(s).

NM_001040436.3(YARS2):c.1396A>G (p.Lys466Glu)

Gene: YARS2 (tyrosyl-tRNA synthetase 2; minus strand). Cytogenetic location: 12p11.21.
Variant type: single nucleotide variant.
Coding change: c.1396A>G on transcript NM_001040436.3 (MANE Select); coding-DNA position 1396, A replaced by G.
Protein change: p.Lys466Glu; replaces lysine 466 with glutamic acid.
Molecular consequence: missense variant.
Genome position (GRCh38, 1-based): chr12:32,747,242, T>C on the plus strand (A>G on the coding strand, the complement: YARS2 is on the minus strand). VCF-style: chr12-32747242-T-C. GRCh37 (hg19) VCF-style: chr12-32900176-T-C.
Other names: short protein forms K466E.
Identifiers: ClinVar variation 215420 (VCV000215420.2), dbSNP rs863224270, ClinGen allele CA324007.